The following is an entry in ClinVar:

NM_006329.4(FBLN5):c.104G>A (p.Arg35His)

Gene: FBLN5 (fibulin 5; minus strand). Cytogenetic location: 14q32.12.
Variant type: single nucleotide variant.
Coding change: c.104G>A on transcript NM_006329.4 (MANE Select); coding-DNA position 104, G replaced by A.
Protein change: p.Arg35His; replaces arginine 35 with histidine.
Molecular consequence: missense variant. On other transcripts: 5 prime UTR variant (2).
Genome position (GRCh38, 1-based): chr14:91,940,585, C>T on the plus strand (G>A on the coding strand, the complement: FBLN5 is on the minus strand). VCF-style: chr14-91940585-C-T. GRCh37 (hg19) VCF-style: chr14-92406929-C-T.
Other names: c.104G>A, p.Arg35His (NM_001384158.1, NM_001384160.1); c.155G>A, p.Arg52His (NM_001384159.1); c.-166G>A (NM_001384161.1, NM_001384162.1); short protein forms R35H, R52H.
Identifiers: ClinVar variation 1927494 (VCV001927494.5), dbSNP rs540001032, ClinGen allele CA7312953.

ClinVar aggregate classification (germline): Uncertain significance (1 of 4 stars; one submission).

Allele frequency attached by ClinVar (database versions not stated): gnomAD exomes 0.00002; 1000 Genomes Project 30x 0.00016; 1000 Genomes Project 0.00020; ExAC 0.00001; gnomAD 0.00001; TOPMed 0.00001.
gnomAD v4.1: 38 of 1,613,988 alleles (0.0024%); highest among the groups gnomAD compares: Middle Eastern, 0.017%; no homozygotes.

Submission:

Labcorp Genetics (formerly Invitae), Labcorp
Classification: Uncertain significance. Last evaluated: 2023-12-20. Review status: criteria provided, single submitter. Criteria: Invitae Variant Classification Sherloc (09022015). Collection method: clinical testing. Allele origin: germline.
Comment: This sequence change replaces arginine, which is basic and polar, with histidine, which is basic and polar, at codon 35 of the FBLN5 protein (p.Arg35His). This variant is present in population databases (rs540001032, gnomAD 0.003%). This variant has not been reported in the literature in individuals affected with FBLN5-related conditions. ClinVar contains an entry for this variant (Variation ID: 1927494). An algorithm developed to predict the effect of missense changes on protein structure and function (PolyPhen-2) suggests that this variant is likely to be disruptive. In summary, the available evidence is currently insufficient to determine the role of this variant in disease. Therefore, it has been classified as a Variant of Uncertain Significance.